The following is an entry in ClinVar:

ClinVar aggregate classification (germline): Uncertain significance (1 of 4 stars; one submission).

Conditions:
Charcot-Marie-Tooth disease type 2. Also called: Charcot-Marie-Tooth type 2. Identifiers: Orphanet 64746, MedGen C0270914, MONDO:0018993.

Allele frequency attached by ClinVar (database versions not stated): TOPMed 0.00002; gnomAD 0.00001; ExAC 0.00003; ESP Exome Variant Server 0.00008.
gnomAD v4.1: 69 of 1,613,128 alleles (0.0043%); highest among the groups gnomAD compares: Non-Finnish European, 0.0058%; no homozygotes.

Submission:

Labcorp Genetics (formerly Invitae), Labcorp
Classification: Uncertain significance for Charcot-Marie-Tooth disease type 2. Last evaluated: 2022-10-13. Review status: criteria provided, single submitter. Criteria: Invitae Variant Classification Sherloc (09022015). Collection method: clinical testing. Allele origin: germline.
Comment: This sequence change replaces valine, which is neutral and non-polar, with leucine, which is neutral and non-polar, at codon 347 of the MED25 protein (p.Val347Leu). This variant is present in population databases (rs146715554, gnomAD 0.005%). This variant has not been reported in the literature in individuals affected with MED25-related conditions. ClinVar contains an entry for this variant (Variation ID: 476794). Algorithms developed to predict the effect of missense changes on protein structure and function are either unavailable or do not agree on the potential impact of this missense change (SIFT: "Deleterious"; PolyPhen-2: "Benign"; Align-GVGD: "Class C0"). In summary, the available evidence is currently insufficient to determine the role of this variant in disease. Therefore, it has been classified as a Variant of Uncertain Significance.

NM_030973.4(MED25):c.1039G>C (p.Val347Leu)

Gene: MED25 (mediator complex subunit 25; plus strand). Cytogenetic location: 19q13.33.
Variant type: single nucleotide variant.
Coding change: c.1039G>C on transcript NM_030973.4 (MANE Select); coding-DNA position 1039, G replaced by C.
Protein change: p.Val347Leu; replaces valine 347 with leucine.
Molecular consequence: missense variant.
Genome position (GRCh38, 1-based): chr19:49,830,825, G>C. VCF-style: chr19-49830825-G-C. GRCh37 (hg19) VCF-style: chr19-50334082-G-C.
Other names: c.1039G>C, p.Val347Leu (NM_001378355.1); short protein forms V347L.
Identifiers: ClinVar variation 476794 (VCV000476794.8), dbSNP rs146715554, ClinGen allele CA9585118.